The following is an entry in ClinVar:

NM_000548.5(TSC2):c.5259+1del

Gene: TSC2 (TSC complex subunit 2; plus strand). Cytogenetic location: 16p13.3.
Variant type: Deletion.
Coding change: c.5259+1del on transcript NM_000548.5 (MANE Select); the canonical splice donor site of the intron after coding-DNA position 5259, one base deleted (G; older notation c.5259+1delG).
Molecular consequence: splice donor variant.
Genome position (GRCh38, 1-based): chr16:2,088,326, G deleted; the last of 3 consecutive G bases (chr16:2,088,324-2,088,326); deleting any one gives the same sequence. VCF-style (leftmost placement, unchanged base first): chr16-2088323-CG-C. GRCh37 (hg19) VCF-style: chr16-2138324-CG-C.
Other names: c.5259+1delG (NM_000548.3); c.5256+1del (NM_001406663.1); c.5187+1del (NM_001406664.1); c.5130+1del (NM_021055.3); c.5118+1del (NM_001370405.1); c.5061+1del (NM_001363528.2); c.5181+1del (NM_001406665.1); c.5127+1del (NM_001370404.1); and 28 more.
Identifiers: ClinVar variation 49417 (VCV000049417.10), dbSNP rs137854317, ClinGen allele CA022312.

ClinVar aggregate classification (germline): Pathogenic/Likely pathogenic. Review status: criteria provided, multiple submitters, no conflicts (2 of 4 stars). 4 submissions from 4 submitters: Pathogenic (1); Likely pathogenic (2). 1 of the submissions does not count toward it. Last evaluated 2021-11-07.

Conditions:
Tuberous sclerosis syndrome (TSC). Also called: Tuberous Sclerosis Complex; Tuberous sclerosis. Identifiers: Orphanet 805, MedGen C0041341, MONDO:0001734.
Tuberous sclerosis 2 (TSC2). Identifiers: Orphanet 805, MedGen C1860707, MONDO:0013199, OMIM 613254.

Submissions (4):

Genome-Nilou Lab
Classification: Likely pathogenic for Tuberous sclerosis 2. Last evaluated: 2021-11-07. Review status: criteria provided, single submitter. Criteria: ACMG Guidelines, 2015. Collection method: clinical testing. Allele origin: germline. Affected: no.

Labcorp Genetics (formerly Invitae), Labcorp
Classification: Likely pathogenic for Tuberous sclerosis 2. Last evaluated: 2018-02-15. Review status: criteria provided, single submitter. Criteria: Invitae Variant Classification Sherloc (09022015). Collection method: clinical testing. Allele origin: germline.
Comment: In summary, the currently available evidence indicates that the variant is pathogenic, but additional data are needed to prove that conclusively. Therefore, this variant has been classified as Likely Pathogenic. Donor and acceptor splice site variants typically lead to a loss of protein function (PMID: 16199547), and loss-of-function variants in TSC2 are known to be pathogenic (PMID: 10205261, 17304050). Algorithms developed to predict the effect of sequence changes on RNA splicing suggest that this variant may disrupt the consensus splice site, but this prediction has not been confirmed by published transcriptional studies. This variant has been reported in an individual affected with tuberous sclerosis complex (PMID: 17304050). ClinVar contains an entry for this variant (Variation ID: 49417). This variant is not present in population databases (ExAC no frequency). This sequence change affects a donor splice site in intron 41 of the TSC2 gene. It is expected to disrupt RNA splicing and likely results in an absent or disrupted protein product.

Athena Diagnostics
Classification: Pathogenic for Tuberous sclerosis 2. Last evaluated: 2014-11-21. Review status: criteria provided, single submitter. Criteria: Athena Diagnostics Criteria. Collection method: clinical testing. Allele origin: germline. Inheritance: Autosomal dominant inheritance.

Tuberous sclerosis database (TSC2)
No classification provided. Condition: TSC. Review status: no classification provided. Criteria: Tuberous Sclerosis Database Assertion Criteria 2015. Collection method: curation. Allele origin: germline. Affected: yes. Not counted in ClinVar's aggregate classification.

Literature cited by the submitters: PubMed 16199547 (cited by Labcorp Genetics (formerly Invitae), Labcorp); PubMed 10205261 (cited by Labcorp Genetics (formerly Invitae), Labcorp); PubMed 17304050 (cited by Labcorp Genetics (formerly Invitae), Labcorp and Athena Diagnostics).